The following is an entry in ClinVar:

ClinVar aggregate classification (germline): Uncertain significance (1 of 4 stars; one submission).

Conditions:
Kabuki syndrome. Also called: Kabuki make-up syndrome; NIIKAWA-KUROKI SYNDROME. Identifiers: Orphanet 2322, MedGen C0796004, MONDO:0016512.

Submission:

Labcorp Genetics (formerly Invitae), Labcorp
Classification: Uncertain significance for Kabuki syndrome. Last evaluated: 2026-01-22. Review status: criteria provided, single submitter. Criteria: Invitae Variant Classification Sherloc (09022015). Collection method: clinical testing. Allele origin: germline.
Comment: This sequence change replaces serine, which is neutral and polar, with glycine, which is neutral and non-polar, at codon 4327 of the KMT2D protein (p.Ser4327Gly). This variant is not present in population databases (gnomAD no frequency). This variant has not been reported in the literature in individuals affected with KMT2D-related conditions. Invitae Evidence Modeling of protein sequence and biophysical properties (such as structural, functional, and spatial information, amino acid conservation, physicochemical variation, residue mobility, and thermodynamic stability) indicates that this missense variant is not expected to disrupt KMT2D protein function with a negative predictive value of 95%. In summary, the available evidence is currently insufficient to determine the role of this variant in disease. Therefore, it has been classified as a Variant of Uncertain Significance.

NM_003482.4(KMT2D):c.12979A>G (p.Ser4327Gly)

Gene: KMT2D (lysine methyltransferase 2D; minus strand). Cytogenetic location: 12q13.12.
Variant type: single nucleotide variant.
Coding change: c.12979A>G on transcript NM_003482.4 (MANE Select); coding-DNA position 12979, A replaced by G.
Protein change: p.Ser4327Gly; replaces serine 4327 with glycine.
Molecular consequence: missense variant.
Genome position (GRCh38, 1-based): chr12:49,031,726, T>C on the plus strand (A>G on the coding strand, the complement: KMT2D is on the minus strand). VCF-style: chr12-49031726-T-C. GRCh37 (hg19) VCF-style: chr12-49425509-T-C.
Other names: short protein forms S4327G.
Identifiers: ClinVar variation 4765109 (VCV004765109.1).